The following is an entry in ClinVar:

ClinVar aggregate classification (germline): Uncertain significance (1 of 4 stars; one submission).

Allele frequency attached by ClinVar (database versions not stated): TOPMed below 0.00001; gnomAD exomes 0.00001; ExAC 0.00003.

Submission:

Labcorp Genetics (formerly Invitae), Labcorp
Classification: Uncertain significance. Last evaluated: 2022-10-17. Review status: criteria provided, single submitter. Criteria: Invitae Variant Classification Sherloc (09022015). Collection method: clinical testing. Allele origin: germline.
Comment: This variant has not been reported in the literature in individuals affected with FSCN2-related conditions. In summary, the available evidence is currently insufficient to determine the role of this variant in disease. Therefore, it has been classified as a Variant of Uncertain Significance. Algorithms developed to predict the effect of missense changes on protein structure and function are either unavailable or do not agree on the potential impact of this missense change (SIFT: "Deleterious"; PolyPhen-2: "Probably Damaging"; Align-GVGD: "Class C0"). ClinVar contains an entry for this variant (Variation ID: 1001302). This variant is present in population databases (rs766472557, gnomAD 0.02%). This sequence change replaces alanine, which is neutral and non-polar, with threonine, which is neutral and polar, at codon 344 of the FSCN2 protein (p.Ala344Thr).

NM_012418.4(FSCN2):c.1030G>A (p.Ala344Thr)

Gene: FSCN2 (fascin actin-bundling protein 2, retinal; plus strand). Cytogenetic location: 17q25.3.
Variant type: single nucleotide variant.
Coding change: c.1030G>A on transcript NM_012418.4 (MANE Select); coding-DNA position 1030, G replaced by A.
Protein change: p.Ala344Thr; replaces alanine 344 with threonine.
Molecular consequence: missense variant.
Genome position (GRCh38, 1-based): chr17:81,536,192, G>A. VCF-style: chr17-81536192-G-A. GRCh37 (hg19) VCF-style: chr17-79503218-G-A.
Other names: c.1030G>A, p.Ala344Thr (NM_001077182.3); short protein forms A344T.
Identifiers: ClinVar variation 1001302 (VCV001001302.8), dbSNP rs766472557, ClinGen allele CA8836933.
Genomic context (GRCh38, chr17:81,536,192, plus strand): 5'-GCTGCTCCCTCCAGTTCTGCCAACACCATGTTTGAGATGGAGTGGCGTGGCCGGCGGGTA[G>A]CACTCAAAGCCAGCAACGGGCGCTACGTGTGCATGAAGAAGAATGGGCAGCTGGCGGCTA-3'
Protein context (NP_036550.1, residues 334-354): FEMEWRGRRV[Ala344Thr]LKASNGRYVC